The following is an entry in ClinVar:

ClinVar aggregate classification (germline): Uncertain significance (1 of 4 stars; one submission).

gnomAD v4.1: 3 of 1,614,106 alleles (0.00019%); highest among the groups gnomAD compares: Admixed American, 0.005%; no homozygotes.

Submission:

Labcorp Genetics (formerly Invitae), Labcorp
Classification: Uncertain significance. Last evaluated: 2025-02-24. Review status: criteria provided, single submitter. Criteria: Invitae Variant Classification Sherloc (09022015). Collection method: clinical testing. Allele origin: germline.
Comment: This sequence change replaces threonine, which is neutral and polar, with serine, which is neutral and polar, at codon 389 of the EMC1 protein (p.Thr389Ser). This variant is present in population databases (no rsID available, gnomAD 0.006%). This variant has not been reported in the literature in individuals affected with EMC1-related conditions. ClinVar contains an entry for this variant (Variation ID: 2081655). Invitae Evidence Modeling of protein sequence and biophysical properties (such as structural, functional, and spatial information, amino acid conservation, physicochemical variation, residue mobility, and thermodynamic stability) indicates that this missense variant is not expected to disrupt EMC1 protein function with a negative predictive value of 80%. In summary, the available evidence is currently insufficient to determine the role of this variant in disease. Therefore, it has been classified as a Variant of Uncertain Significance.

NM_015047.3(EMC1):c.1165A>T (p.Thr389Ser)

Genes: EMC1 (ER membrane protein complex subunit 1; minus strand), EMC1-AS1 (EMC1 antisense RNA 1; plus strand). Cytogenetic location: 1p36.13.
Variant type: single nucleotide variant.
Coding change: c.1165A>T on transcript NM_015047.3 (MANE Select); coding-DNA position 1165, A replaced by T.
Protein change: p.Thr389Ser; replaces threonine 389 with serine.
Molecular consequence: missense variant.
Genome position (GRCh38, 1-based): chr1:19,238,064, T>A on the plus strand (A>T on the coding strand, the complement: EMC1 is on the minus strand). VCF-style: chr1-19238064-T-A. GRCh37 (hg19) VCF-style: chr1-19564558-T-A.
Other names: c.1162A>T, p.Thr388Ser (NM_001271427.2, NM_001375821.1); c.1165A>T, p.Thr389Ser (NM_001271428.2, NM_001375820.1); c.1099A>T, p.Thr367Ser (NM_001271429.2); short protein forms T367S, T389S, T388S.
Identifiers: ClinVar variation 2081655 (VCV002081655.4), dbSNP rs761451644, ClinGen allele CA338766393.